The following is an entry in ClinVar:

ClinVar aggregate classification (germline): Uncertain significance (1 of 4 stars; one submission).

Submission:

GeneDx
Classification: Uncertain significance. Last evaluated: 2025-03-18. Review status: criteria provided, single submitter. Criteria: GeneDx Variant Classification Process June 2021. Collection method: clinical testing. Allele origin: germline. Affected: yes.
Comment: Not observed at significant frequency in large population cohorts (gnomAD); In silico analysis indicates that this missense variant does not alter protein structure/function; Has not been previously published as pathogenic or benign to our knowledge

NM_173630.4(RTTN):c.1438G>T (p.Ala480Ser)

Gene: RTTN (rotatin; minus strand). Cytogenetic location: 18q22.2.
Variant type: single nucleotide variant.
Coding change: c.1438G>T on transcript NM_173630.4 (MANE Select); coding-DNA position 1438, G replaced by T.
Protein change: p.Ala480Ser; replaces alanine 480 with serine.
Molecular consequence: missense variant. On other transcripts: 5 prime UTR variant (1).
Genome position (GRCh38, 1-based): chr18:70,176,713, C>A on the plus strand (G>T on the coding strand, the complement: RTTN is on the minus strand). VCF-style: chr18-70176713-C-A. GRCh37 (hg19) VCF-style: chr18-67843949-C-A.
Other names: c.-1116G>T (NM_001318520.2); short protein forms A480S.
Identifiers: ClinVar variation 4086580 (VCV004086580.1).
Genomic context (GRCh38, chr18:70,176,713, plus strand): 5'-TGAGCAGCATTGCCTGCCTTACCTTTTCAACAGGGAGAAGCGTTTGTAGCAGTCGAACTG[C>A]AAACAGGGAAATGCTGATAAAGGCCATTCTGTGGTGCACAAGCATCACCTCTGGCTGCTC-3'
Protein context (NP_775901.3, residues 470-490): RMAFISISLF[Ala480Ser]VRLLQTLLPV